The following is an entry in ClinVar:

NM_000313.4(PROS1):c.944T>C (p.Phe315Ser)

Gene: PROS1 (protein S; minus strand). Cytogenetic location: 3q11.1.
Variant type: single nucleotide variant.
Coding change: c.944T>C on transcript NM_000313.4 (MANE Select); coding-DNA position 944, T replaced by C.
Protein change: p.Phe315Ser; replaces phenylalanine 315 with serine.
Molecular consequence: missense variant.
Genome position (GRCh38, 1-based): chr3:93,896,597, A>G on the plus strand (T>C on the coding strand, the complement: PROS1 is on the minus strand). VCF-style: chr3-93896597-A-G. GRCh37 (hg19) VCF-style: chr3-93615441-A-G.
Other names: p.Phe315Ser; c.1040T>C, p.Phe347Ser (NM_001314077.2); short protein forms F315S, F347S.
Identifiers: ClinVar variation 4540900 (VCV004540900.1).

ClinVar aggregate classification (germline): Uncertain significance (1 of 4 stars; one submission).

gnomAD v4.1: 1 of 1,612,930 alleles (0.000062%); highest among the groups gnomAD compares: Admixed American, 0.0017%; no homozygotes.

Submission:

Mayo Clinic Laboratories, Mayo Clinic
Classification: Uncertain significance. Last evaluated: 2025-01-14. Review status: criteria provided, single submitter. Criteria: ACMG Guidelines, 2015. Collection method: clinical testing. Allele origin: germline. Observed: 1 variant allele.
Comment: PP3, PM1_supporting, PM2_supporting